The following is an entry in ClinVar:

ClinVar aggregate classification (germline): Likely benign (1 of 4 stars; one submission).

Conditions:
Abetalipoproteinaemia (ABL). Also called: MTP DEFICIENCY; Abetalipoproteinemia; Abetalipoproteinemia neuropathy; Apolipoprotein B deficiency; Congenital betalipoprotein deficiency syndrome. Identifiers: Orphanet 14, MedGen C0000744, MONDO:0008692, OMIM 200100, HP:0008181.

Allele frequency attached by ClinVar (database versions not stated): 1000 Genomes Project 30x 0.00047; TOPMed 0.00056; 1000 Genomes Project 0.00060; gnomAD 0.00086 and 0.00089.

Submission:

Illumina Laboratory Services, Illumina
Classification: Likely benign for Abetalipoproteinaemia. Last evaluated: 2018-01-13. Review status: criteria provided, single submitter. Criteria: ICSL Variant Classification Criteria 13 December 2019. Collection method: clinical testing. Allele origin: germline.
Comment: This variant was observed in the ICSL laboratory as part of a predisposition screen in an ostensibly healthy population. It had not been previously curated by ICSL or reported in the Human Gene Mutation Database (HGMD: prior to June 1st, 2018), and was therefore a candidate for classification through an automated scoring system. Utilizing variant allele frequency, disease prevalence and penetrance estimates, and inheritance mode, an automated score was calculated to assess if this variant is too frequent to cause the disease. Based on the score and internal cut-off values, a variant classified as likely benign is not then subjected to further curation. The score for this variant resulted in a classification of likely benign for this disease.

NM_001386140.1(MTTP):c.*694A>C

Gene: MTTP (microsomal triglyceride transfer protein; plus strand). Cytogenetic location: 4q23.
Variant type: single nucleotide variant.
Coding change: c.*694A>C on transcript NM_001386140.1 (MANE Select); 694 bases downstream of the stop codon, A replaced by C.
Molecular consequence: 3 prime UTR variant.
Genome position (GRCh38, 1-based): chr4:99,623,542, A>C. VCF-style: chr4-99623542-A-C. GRCh37 (hg19) VCF-style: chr4-100544699-A-C.
Other names: c.*694A>C (NM_000253.4, NM_001300785.2).
Identifiers: ClinVar variation 347058 (VCV000347058.5), dbSNP rs187658213, ClinGen allele CA10622097.